The following is an entry in ClinVar:

ClinVar aggregate classification (germline): Uncertain significance. Review status: criteria provided, multiple submitters, no conflicts (2 of 4 stars). 2 submissions from 2 submitters: Uncertain significance (2). Last evaluated 2025-03-08.

Conditions:
Ciliary dyskinesia, primary, 37 (CILD37). Also called: CILIARY DYSKINESIA, PRIMARY, 37, WITH OR WITHOUT SITUS INVERSUS. Identifiers: MedGen C4539798, MONDO:0033204, OMIM 617577.
Spermatogenic failure 18. Identifiers: MedGen C4539783, MONDO:0054615, OMIM 617576.

Allele frequency attached by ClinVar (database versions not stated): gnomAD exomes 0.00001; ExAC 0.00002; ESP Exome Variant Server 0.00008; gnomAD 0.00011; TOPMed 0.00015; 1000 Genomes Project 0.00020; 1000 Genomes Project 30x 0.00031.
gnomAD v4.1: 33 of 1,614,074 alleles (0.002%); highest among the groups gnomAD compares: African/African-American, 0.04%; no homozygotes.

Submissions (2):

Ambry Genetics
Classification: Uncertain significance. Last evaluated: 2025-03-08. Review status: criteria provided, single submitter. Criteria: Ambry Variant Classification Scheme 2023. Collection method: clinical testing. Allele origin: germline.

Labcorp Genetics (formerly Invitae), Labcorp
Classification: Uncertain significance for Ciliary dyskinesia, primary, 37; Spermatogenic failure 18. Last evaluated: 2024-07-24. Review status: criteria provided, single submitter. Criteria: Invitae Variant Classification Sherloc (09022015). Collection method: clinical testing. Allele origin: germline.
Comment: This sequence change replaces isoleucine, which is neutral and non-polar, with valine, which is neutral and non-polar, at codon 4108 of the DNAH1 protein (p.Ile4108Val). This variant is present in population databases (rs372507181, gnomAD 0.03%). This variant has not been reported in the literature in individuals affected with DNAH1-related conditions. ClinVar contains an entry for this variant (Variation ID: 2326531). Advanced modeling of protein sequence and biophysical properties (such as structural, functional, and spatial information, amino acid conservation, physicochemical variation, residue mobility, and thermodynamic stability) performed at Invitae indicates that this missense variant is not expected to disrupt DNAH1 protein function with a negative predictive value of 80%. In summary, the available evidence is currently insufficient to determine the role of this variant in disease. Therefore, it has been classified as a Variant of Uncertain Significance.

NM_015512.5(DNAH1):c.12322A>G (p.Ile4108Val)

Gene: DNAH1 (dynein axonemal heavy chain 1; plus strand). Cytogenetic location: 3p21.1.
Variant type: single nucleotide variant.
Coding change: c.12322A>G on transcript NM_015512.5 (MANE Select); coding-DNA position 12322, A replaced by G.
Protein change: p.Ile4108Val; replaces isoleucine 4108 with valine.
Molecular consequence: missense variant.
Genome position (GRCh38, 1-based): chr3:52,399,082, A>G. VCF-style: chr3-52399082-A-G. GRCh37 (hg19) VCF-style: chr3-52433098-A-G.
Other names: short protein forms I4108V.
Identifiers: ClinVar variation 2326531 (VCV002326531.4), dbSNP rs372507181, ClinGen allele CA2436454.
Genomic context (GRCh38, chr3:52,399,082, plus strand): 5'-TCATGGGTCATGGACCTGCTGCAACGCCTGGACTTTCTGCAGGCCTGGATCCAAGATGGC[A>G]TCCCAGCTGTCTTCTGGATCAGTGGATTCTTCTTCCCCCAGGCTTTCTTAACAGGCACTC-3'
Protein context (NP_056327.4, residues 4098-4118): DFLQAWIQDG[Ile4108Val]PAVFWISGFF